The following is an entry in ClinVar:

NM_004656.4(BAP1):c.2118C>T (p.Ile706=)

Gene: BAP1 (BRCA1 associated deubiquitinase 1; minus strand). Cytogenetic location: 3p21.1.
Variant type: single nucleotide variant.
Coding change: c.2118C>T on transcript NM_004656.4 (MANE Select); coding-DNA position 2118, C replaced by T.
Protein change: p.Ile706=; no amino-acid change (isoleucine 706 retained).
Molecular consequence: synonymous variant.
Genome position (GRCh38, 1-based): chr3:52,402,360, G>A on the plus strand (C>T on the coding strand, the complement: BAP1 is on the minus strand). VCF-style: chr3-52402360-G-A. GRCh37 (hg19) VCF-style: chr3-52436376-G-A.
Identifiers: ClinVar variation 490844 (VCV000490844.23), dbSNP rs201122466, ClinGen allele CA2436587.

ClinVar aggregate classification (germline): Benign/Likely benign. Review status: criteria provided, multiple submitters, no conflicts (2 of 4 stars). 6 submissions from 6 submitters: Benign (1); Likely benign (5). Last evaluated 2026-01-21.

Conditions:
BAP1-related disorder. Also called: BAP1-related condition.
Hereditary cancer-predisposing syndrome. Also called: Neoplastic Syndromes, Hereditary; Hereditary Cancer Syndrome; Tumor predisposition; Hereditary neoplastic syndrome. Identifiers: Orphanet 140162, MedGen C0027672, MeSH D009386, MONDO:0015356.
BAP1-related tumor predisposition syndrome (TPDS1). Also called: Tumor susceptibility linked to germline BAP1 mutations; COMMON Syndrome; BAP1 tumor predisposition syndrome; TUMOR PREDISPOSITION SYNDROME 1. Identifiers: Orphanet 289539, MedGen C3280492, MONDO:0013692, OMIM 614327.

Allele frequency attached by ClinVar (database versions not stated): gnomAD exomes 0.00001; TOPMed 0.00004; 1000 Genomes Project 30x 0.00016; 1000 Genomes Project 0.00020.
gnomAD v4.1: 22 of 1,581,668 alleles (0.0014%); highest among the groups gnomAD compares: East Asian, 0.0046%; no homozygotes.

Submissions (6):

Labcorp Genetics (formerly Invitae), Labcorp
Classification: Likely benign for BAP1-related tumor predisposition syndrome. Last evaluated: 2026-01-21. Review status: criteria provided, single submitter. Criteria: Invitae Variant Classification Sherloc (09022015). Collection method: clinical testing. Allele origin: germline.

Dasa
Classification: Likely benign. Last evaluated: 2025-05-19. Review status: criteria provided, single submitter. Criteria: DASA Assertion Criteria. Collection method: clinical testing. Allele origin: germline.
Comment: NM_004656.4(BAP1):c.2118C>T (p.Ile706=) is a synonymous variant predicted not to alter the encoded amino acid sequence. The variant context is inconsistent with a known disease-causing mechanism. Computational prediction algorithms are consistent with a benign effect. Therefore, based on the currently available evidence, this variant is classified as likely benign.

PreventionGenetics, part of Exact Sciences
Classification: Likely benign for BAP1-related condition. Last evaluated: 2025-05-19. Review status: criteria provided, single submitter. Criteria: ACMG Guidelines, 2015. Collection method: clinical testing. Allele origin: germline.
Comment: This variant is classified as likely benign based on ACMG/AMP sequence variant interpretation guidelines (Richards et al. 2015 PMID: 25741868, with internal and published modifications).

Myriad Genetics, Inc.
Classification: Benign for BAP1-related tumor predisposition syndrome. Last evaluated: 2024-07-18. Review status: criteria provided, single submitter. Criteria: Myriad Autosomal Dominant, Autosomal Recessive and X-Linked Classification Criteria (2023). Collection method: clinical testing. Allele origin: unknown.
Comment: This variant is considered benign. This variant is a silent/synonymous amino acid change and it is not expected to impact splicing.

Ambry Genetics
Classification: Likely benign for Hereditary cancer-predisposing syndrome. Last evaluated: 2020-01-30. Review status: criteria provided, single submitter. Criteria: Ambry Variant Classification Scheme 2023. Collection method: clinical testing. Allele origin: germline.

Color Diagnostics, LLC DBA Color Health
Classification: Likely benign for Hereditary cancer-predisposing syndrome. Last evaluated: 2016-08-05. Review status: criteria provided, single submitter. Criteria: ACMG Guidelines, 2015. Collection method: clinical testing. Allele origin: germline.